The following is an entry in ClinVar:

ClinVar aggregate classification (germline): Uncertain significance. Review status: criteria provided, multiple submitters, no conflicts (2 of 4 stars). 2 submissions from 2 submitters: Uncertain significance (2). Last evaluated 2024-12-05.

Allele frequency attached by ClinVar (database versions not stated): gnomAD 0.00001; ExAC 0.00002; TOPMed 0.00002.
gnomAD v4.1: 62 of 1,614,128 alleles (0.0038%); highest among the groups gnomAD compares: Non-Finnish European, 0.005%; no homozygotes.

Submissions (2):

Labcorp Genetics (formerly Invitae), Labcorp
Classification: Uncertain significance. Last evaluated: 2024-12-05. Review status: criteria provided, single submitter. Criteria: Invitae Variant Classification Sherloc (09022015). Collection method: clinical testing. Allele origin: germline.
Comment: This sequence change replaces leucine, which is neutral and non-polar, with proline, which is neutral and non-polar, at codon 128 of the OPN1SW protein (p.Leu128Pro). This variant is present in population databases (rs781617916, gnomAD 0.004%). This variant has not been reported in the literature in individuals affected with OPN1SW-related conditions. ClinVar contains an entry for this variant (Variation ID: 3204394). Invitae Evidence Modeling of protein sequence and biophysical properties (such as structural, functional, and spatial information, amino acid conservation, physicochemical variation, residue mobility, and thermodynamic stability) indicates that this missense variant is expected to disrupt OPN1SW protein function with a positive predictive value of 95%. In summary, the available evidence is currently insufficient to determine the role of this variant in disease. Therefore, it has been classified as a Variant of Uncertain Significance.

Ambry Genetics
Classification: Uncertain significance. Last evaluated: 2023-10-10. Review status: criteria provided, single submitter. Criteria: Ambry Variant Classification Scheme 2023. Collection method: clinical testing. Allele origin: germline.

NM_001385125.1(OPN1SW):c.374T>C (p.Leu125Pro)

Gene: OPN1SW (opsin 1, short wave sensitive; minus strand). Cytogenetic location: 7q32.1.
Variant type: single nucleotide variant.
Coding change: c.374T>C on transcript NM_001385125.1 (MANE Select); coding-DNA position 374, T replaced by C.
Protein change: p.Leu125Pro; replaces leucine 125 with proline.
Molecular consequence: missense variant.
Genome position (GRCh38, 1-based): chr7:128,775,124, A>G on the plus strand (T>C on the coding strand, the complement: OPN1SW is on the minus strand). VCF-style: chr7-128775124-A-G. GRCh37 (hg19) VCF-style: chr7-128415178-A-G.
Other names: NM_001708.2:c.383T>C; short protein forms L125P.
Identifiers: ClinVar variation 3204394 (VCV003204394.3), dbSNP rs781617916, ClinGen allele CA4472957.
Genomic context (GRCh38, chr7:128,775,124, plus strand): 5'-TTGGAGCTGAAGCGGAAGTTGCCGAAGGGCTTACAGATGACAATGTAGCGCTCAAAGGCC[A>G]GGAAGGCCAGTGACCATCCTGTAACCAGACCTGTGGTGAAATGTGAGGATAATGGGCTAG-3'
Protein context (NP_001372054.1, residues 115-135): GLVTGWSLAF[Leu125Pro]AFERYIVICK